The following is an entry in ClinVar:

ClinVar aggregate classification (germline): Uncertain significance (1 of 4 stars; one submission).

Conditions:
Inborn genetic diseases. Identifiers: MedGen C0950123, MeSH D030342.

Submission:

Ambry Genetics
Classification: Uncertain significance for Inborn genetic diseases. Last evaluated: 2024-04-19. Review status: criteria provided, single submitter. Criteria: Ambry Variant Classification Scheme 2023. Collection method: clinical testing. Allele origin: germline.
Comment: The p.V2048I variant (also known as c.6142G>A), located in coding exon 42 of the LRRK2 gene, results from a G to A substitution at nucleotide position 6142. The valine at codon 2048 is replaced by isoleucine, an amino acid with highly similar properties. This amino acid position is conserved. In addition, this alteration is predicted to be tolerated by in silico analysis. Based on the available evidence, the clinical significance of this variant remains unclear.

NM_198578.4(LRRK2):c.6142G>A (p.Val2048Ile)

Gene: LRRK2 (leucine rich repeat kinase 2; plus strand). Cytogenetic location: 12q12.
Variant type: single nucleotide variant.
Coding change: c.6142G>A on transcript NM_198578.4 (MANE Select); coding-DNA position 6142, G replaced by A.
Protein change: p.Val2048Ile; replaces valine 2048 with isoleucine.
Molecular consequence: missense variant.
Genome position (GRCh38, 1-based): chr12:40,346,785, G>A. VCF-style: chr12-40346785-G-A. GRCh37 (hg19) VCF-style: chr12-40740587-G-A.
Other names: short protein forms V2048I.
Identifiers: ClinVar variation 3291969 (VCV003291969.1).